The following is an entry in ClinVar:

ClinVar aggregate classification (germline): Uncertain significance (1 of 4 stars; one submission).

Submission:

GeneDx
Classification: Uncertain significance. Last evaluated: 2026-04-14. Review status: criteria provided, single submitter. Criteria: GeneDx Variant Classification Process June 2021. Collection method: clinical testing. Allele origin: germline.
Comment: Not observed at significant frequency in large population cohorts (gnomAD); In silico analysis suggests that this missense variant does not alter protein structure/function; Has not been previously published as pathogenic or benign to our knowledge

NM_024407.5(NDUFS7):c.19C>G (p.Pro7Ala)

Gene: NDUFS7 (NADH:ubiquinone oxidoreductase core subunit S7; plus strand). Cytogenetic location: 19p13.3.
Variant type: single nucleotide variant.
Coding change: c.19C>G on transcript NM_024407.5 (MANE Select); coding-DNA position 19, C replaced by G.
Protein change: p.Pro7Ala; replaces proline 7 with alanine.
Molecular consequence: missense variant.
Genome position (GRCh38, 1-based): chr19:1,387,813, C>G. VCF-style: chr19-1387813-C-G. GRCh37 (hg19) VCF-style: chr19-1387812-C-G.
Other names: c.19C>G, p.Pro7Ala (NM_001363602.2); short protein forms P7A.
Identifiers: ClinVar variation 5037082 (VCV005037082.1).
Genomic context (GRCh38, chr19:1,387,813, plus strand): 5'-GGCCGGCCCTGCGTGCTGCCCGCAGCTCACTGTTCCCACCCCGTGGTCCTCTCTGCAGCT[C>G]CTGGCCTGCGCGGCTTCCGGATCCTTGGTCTGCGGTGAGTGCCTGAGTCTCCAGCCCTCA-3'
Protein context (NP_077718.3, residues 1-17): MAVLSA[Pro7Ala]GLRGFRILGL